The following is an entry in ClinVar:

NM_003244.4(TGIF1):c.58A>G (p.Ser20Gly)

Gene: TGIF1 (TGFB induced factor homeobox 1; plus strand). Cytogenetic location: 18p11.31.
Variant type: single nucleotide variant.
Coding change: c.58A>G on transcript NM_003244.4 (MANE Select); coding-DNA position 58, A replaced by G.
Protein change: p.Ser20Gly; replaces serine 20 with glycine.
Molecular consequence: missense variant. On other transcripts: 5 prime UTR variant (8).
Genome position (GRCh38, 1-based): chr18:3,456,395, A>G. VCF-style: chr18-3456395-A-G. GRCh37 (hg19) VCF-style: chr18-3456393-A-G.
Other names: c.67A>G, p.Ser23Gly (NM_001278682.2); c.58A>G, p.Ser20Gly (NM_001278684.2, NM_173208.3); c.-3A>G (NM_001278686.3, NM_001374396.1, NM_001374397.1 and 5 more transcripts); c.100A>G, p.Ser34Gly (NM_173207.4); short protein forms S20G, S34G, S23G.
Identifiers: ClinVar variation 4749495 (VCV004749495.1).
Genomic context (GRCh38, chr18:3,456,395, plus strand): 5'-GGCCCTTGTCCTTTCCTAGGTATTGTTGCAGCATCTGGCAGTGAGACTGAGGATGAGGAC[A>G]GCATGGACATTCCCTTGGACCTTTCTTCATCCGCTGGCTCAGGCAAGAGAAGGAGAAGGG-3'
Protein context (NP_003235.1, residues 10-30): ASGSETEDED[Ser20Gly]MDIPLDLSSS

ClinVar aggregate classification (germline): Uncertain significance (1 of 4 stars; one submission).

Conditions:
Holoprosencephaly 4 (HPE4). Identifiers: Orphanet 2162, MedGen C1840528, MONDO:0007734, OMIM 142946.

Submission:

Labcorp Genetics (formerly Invitae), Labcorp
Classification: Uncertain significance for Holoprosencephaly 4. Last evaluated: 2025-09-14. Review status: criteria provided, single submitter. Criteria: Invitae Variant Classification Sherloc (09022015). Collection method: clinical testing. Allele origin: germline.
Comment: This sequence change replaces serine, which is neutral and polar, with glycine, which is neutral and non-polar, at codon 20 of the TGIF1 protein (p.Ser20Gly). This variant is present in population databases (rs768379458, gnomAD 0.02%). This variant has not been reported in the literature in individuals affected with TGIF1-related conditions. An algorithm developed to predict the effect of missense changes on protein structure and function (PolyPhen-2) suggests that this variant is likely to be tolerated. In summary, the available evidence is currently insufficient to determine the role of this variant in disease. Therefore, it has been classified as a Variant of Uncertain Significance.